The following is an entry in ClinVar:

NM_001042492.3(NF1):c.3863G>A (p.Cys1288Tyr)

Gene: NF1 (neurofibromin 1; plus strand). Cytogenetic location: 17q11.2.
Variant type: single nucleotide variant.
Coding change: c.3863G>A on transcript NM_001042492.3 (MANE Select); coding-DNA position 3863, G replaced by A.
Protein change: p.Cys1288Tyr; replaces cysteine 1288 with tyrosine.
Molecular consequence: missense variant.
Genome position (GRCh38, 1-based): chr17:31,235,765, G>A. VCF-style: chr17-31235765-G-A. GRCh37 (hg19) VCF-style: chr17-29562783-G-A.
Other names: c.3863G>A, p.Cys1288Tyr (NM_000267.4); short protein forms C1288Y.
Identifiers: ClinVar variation 653694 (VCV000653694.8), dbSNP rs1597722661, ClinGen allele CA398992907.

ClinVar aggregate classification (germline): Uncertain significance. Review status: criteria provided, multiple submitters, no conflicts (2 of 4 stars). 3 submissions from 3 submitters: Uncertain significance (3). Last evaluated 2025-04-11.

Conditions:
Neurofibromatosis, familial spinal (FSNF). Identifiers: Orphanet 636, MedGen C1834235, MONDO:0008078, OMIM 162210. Disease mechanism: loss of function.
Juvenile myelomonocytic leukemia (JMML). Also called: LEUKEMIA, JUVENILE MYELOMONOCYTIC, SOMATIC. Identifiers: Orphanet 86834, MedGen C0349639, MONDO:0011908, OMIM 607785, HP:0012209.
Neurofibromatosis, type 1 (NF1). Also called: VON RECKLINGHAUSEN DISEASE; NEUROFIBROMATOSIS, TYPE I, SOMATIC; Peripheral type neurofibromatosis; Neurofibromatosis, type I. Identifiers: Orphanet 636, MedGen C0027831, MONDO:0018975, OMIM 162200. Disease mechanism: loss of function.
Neurofibromatosis-Noonan syndrome (NFNS). Also called: NEUROFIBROMATOSIS WITH NOONAN PHENOTYPE. Identifiers: Orphanet 638, MedGen C2931482, MONDO:0011035, OMIM 601321. Disease mechanism: loss of function.
Café-au-lait macules with pulmonary stenosis (WTSN). Also called: PULMONIC STENOSIS WITH CAFE-AU-LAIT SPOTS. Identifiers: MedGen C0553586, MONDO:0008672, OMIM 193520.
Cardiovascular phenotype. Identifiers: MedGen CN230736.
Hereditary cancer-predisposing syndrome. Also called: Neoplastic Syndromes, Hereditary; Hereditary neoplastic syndrome; Hereditary Cancer Syndrome; Tumor predisposition. Identifiers: Orphanet 140162, MedGen C0027672, MeSH D009386, MONDO:0015356.

Submissions (3):

Labcorp Genetics (formerly Invitae), Labcorp
Classification: Uncertain significance for Neurofibromatosis, type 1. Last evaluated: 2025-04-11. Review status: criteria provided, single submitter. Criteria: Invitae Variant Classification Sherloc (09022015). Collection method: clinical testing. Allele origin: germline.
Comment: This sequence change replaces cysteine, which is neutral and slightly polar, with tyrosine, which is neutral and polar, at codon 1288 of the NF1 protein (p.Cys1288Tyr). This variant is not present in population databases (gnomAD no frequency). This variant has not been reported in the literature in individuals affected with NF1-related conditions. ClinVar contains an entry for this variant (Variation ID: 653694). Invitae Evidence Modeling of protein sequence and biophysical properties (such as structural, functional, and spatial information, amino acid conservation, physicochemical variation, residue mobility, and thermodynamic stability) has been performed for this missense variant. However, the output from this modeling did not meet the statistical confidence thresholds required to predict the impact of this variant on NF1 protein function. In summary, the available evidence is currently insufficient to determine the role of this variant in disease. Therefore, it has been classified as a Variant of Uncertain Significance.

Ambry Genetics
Classification: Uncertain significance for Cardiovascular phenotype; Hereditary cancer-predisposing syndrome. Last evaluated: 2024-06-27. Review status: criteria provided, single submitter. Criteria: Ambry Variant Classification Scheme 2023. Collection method: clinical testing. Allele origin: germline.
Comment: The p.C1288Y variant (also known as c.3863G>A), located in coding exon 28 of the NF1 gene, results from a G to A substitution at nucleotide position 3863. The cysteine at codon 1288 is replaced by tyrosine, an amino acid with highly dissimilar properties. This amino acid position is highly conserved in available vertebrate species. In addition, this alteration is predicted to be deleterious by in silico analysis. Based on the available evidence, the clinical significance of this variant remains unclear.

Fulgent Genetics
Classification: Uncertain significance for Neurofibromatosis, type 1; Neurofibromatosis, familial spinal; Café-au-lait macules with pulmonary stenosis; Neurofibromatosis-Noonan syndrome; Juvenile myelomonocytic leukemia. Last evaluated: 2024-01-22. Review status: criteria provided, single submitter. Criteria: ACMG Guidelines, 2015. Collection method: clinical testing. Allele origin: germline.